The following is an entry in ClinVar:

NM_000136.3(FANCC):c.686+4433G>A

Genes: AOPEP (aminopeptidase O (putative); plus strand), FANCC (FA complementation group C; minus strand). Cytogenetic location: 9q22.32.
Variant type: single nucleotide variant.
Coding change: c.686+4433G>A on transcript NM_000136.3 (MANE Select); 4433 bases into the intron after coding-DNA position 686, G replaced by A.
Molecular consequence: intron variant.
Genome position (GRCh38, 1-based): chr9:95,145,490, C>T on the plus strand (G>A on the coding strand, the complement: FANCC is on the minus strand). VCF-style: chr9-95145490-C-T. GRCh37 (hg19) VCF-style: chr9-97907772-C-T.
Other names: c.686+4433G>A (NM_001243743.2, NM_001243744.2).
Identifiers: ClinVar variation 4855237 (VCV004855237.1).
Genomic context (GRCh38, chr9:95,145,490, plus strand): 5'-GCCTTAACATCATGAAAACGCCAGCTCTCTCGATAATCTATATACTTACAGGAGTCTTCC[C>T]CCAACAACACTGGGTGTCTTCCCTGCAACTAGAAAAATTGGTTTCAAAGTTTATGTGGAA-3'

ClinVar aggregate classification (germline): Uncertain significance (1 of 4 stars; one submission).

Conditions:
Fanconi anemia complementation group C (FANCC). Also called: FANCONI PANCYTOPENIA, TYPE 3; FACC; Fanconi anemia, group C; FANCC-Related Fanconi Anemia. Identifiers: Orphanet 84, MedGen C3468041, MONDO:0009213, OMIM 227645.

Submission:

3billion
Classification: Uncertain significance for Fanconi anemia complementation group C. Last evaluated: 2025-09-15. Review status: criteria provided, single submitter. Criteria: ACMG Guidelines, 2015. Collection method: clinical testing. Allele origin: germline. Affected: yes.
Comment: The variant is observed at an extremely low frequency in the gnomAD v4.1.0 dataset (total allele frequency: 0.005%). Predicted Consequence/Location: Intron variant In silico tools predict the variant to alter splicing and produce an abnormal transcript [SpliceAI: 0.43 (>=0.2, moderate evidence for spliceogenicity)]. Therefore, this variant is classified as VUS according to the recommendation of ACMG/AMP guideline.